The following is an entry in ClinVar:

NM_002637.4(PHKA1):c.3436G>A (p.Gly1146Arg)

Gene: PHKA1 (phosphorylase kinase regulatory subunit alpha 1; minus strand). Cytogenetic location: Xq13.1.
Variant type: single nucleotide variant.
Coding change: c.3436G>A on transcript NM_002637.4 (MANE Select); coding-DNA position 3436, G replaced by A.
Protein change: p.Gly1146Arg; replaces glycine 1146 with arginine.
Molecular consequence: missense variant.
Genome position (GRCh38, 1-based): chrX:72,582,460, C>T on the plus strand (G>A on the coding strand, the complement: PHKA1 is on the minus strand). VCF-style: chrX-72582460-C-T. GRCh37 (hg19) VCF-style: chrX-71802310-C-T.
Other names: c.3436G>A (NM_002637.3); c.3397G>A, p.Gly1133Arg (NM_001122670.2); c.3220G>A, p.Gly1074Arg (NM_001172436.2); short protein forms G1146R, G1074R, G1133R.
Identifiers: ClinVar variation 1398093 (VCV001398093.9), dbSNP rs782068991, ClinGen allele CA10450460.

ClinVar aggregate classification (germline): Uncertain significance. Review status: criteria provided, multiple submitters, no conflicts (2 of 4 stars). 2 submissions from 2 submitters: Uncertain significance (2). Last evaluated 2025-07-16.

Conditions:
Glycogen storage disease IXd (GSD9D). Also called: GSD IXd; Muscle Phosphorylase Kinase Deficiency. Identifiers: Orphanet 715, MedGen C1845151, MONDO:0010362, OMIM 300559.
Inborn genetic diseases. Identifiers: MedGen C0950123, MeSH D030342.

Allele frequency attached by ClinVar (database versions not stated): gnomAD exomes 0.00002 and 0.00006; gnomAD 0.00003; TOPMed 0.00006; ExAC 0.00008.
gnomAD v4.1: 23 of 1,205,519 alleles (0.0019%); highest among the groups gnomAD compares: Admixed American, 0.026%; no homozygotes.

Submissions (2):

Labcorp Genetics (formerly Invitae), Labcorp
Classification: Uncertain significance for Glycogen storage disease IXd. Last evaluated: 2025-07-16. Review status: criteria provided, single submitter. Criteria: Invitae Variant Classification Sherloc (09022015). Collection method: clinical testing. Allele origin: germline.
Comment: This sequence change replaces glycine, which is neutral and non-polar, with arginine, which is basic and polar, at codon 1146 of the PHKA1 protein (p.Gly1146Arg). This variant is present in population databases (rs782068991, gnomAD 0.03%). This variant has not been reported in the literature in individuals affected with PHKA1-related conditions. ClinVar contains an entry for this variant (Variation ID: 1398093). An algorithm developed to predict the effect of missense changes on protein structure and function (PolyPhen-2) suggests that this variant is likely to be tolerated. In summary, the available evidence is currently insufficient to determine the role of this variant in disease. Therefore, it has been classified as a Variant of Uncertain Significance.

Ambry Genetics
Classification: Uncertain significance for Inborn genetic diseases. Last evaluated: 2023-05-26. Review status: criteria provided, single submitter. Criteria: Ambry Variant Classification Scheme 2023. Collection method: clinical testing. Allele origin: germline.